The following is an entry in ClinVar:

ClinVar aggregate classification (germline): Uncertain significance (1 of 4 stars; one submission).

Allele frequency attached by ClinVar (database versions not stated): ExAC 0.00001; TOPMed 0.00002; gnomAD 0.00003; gnomAD exomes 0.00003; ESP Exome Variant Server 0.00008.
gnomAD v4.1: 53 of 1,612,852 alleles (0.0033%); highest among the groups gnomAD compares: Non-Finnish European, 0.0042%; no homozygotes.

Submission:

Labcorp Genetics (formerly Invitae), Labcorp
Classification: Uncertain significance. Last evaluated: 2024-11-03. Review status: criteria provided, single submitter. Criteria: Invitae Variant Classification Sherloc (09022015). Collection method: clinical testing. Allele origin: germline.
Comment: This sequence change replaces threonine, which is neutral and polar, with isoleucine, which is neutral and non-polar, at codon 903 of the AP3D1 protein (p.Thr903Ile). This variant is present in population databases (rs370839081, gnomAD 0.003%). This variant has not been reported in the literature in individuals affected with AP3D1-related conditions. ClinVar contains an entry for this variant (Variation ID: 1939683). An algorithm developed to predict the effect of missense changes on protein structure and function (PolyPhen-2) suggests that this variant is likely to be tolerated. Algorithms developed to predict the effect of sequence changes on RNA splicing suggest that this variant may create or strengthen a splice site. In summary, the available evidence is currently insufficient to determine the role of this variant in disease. Therefore, it has been classified as a Variant of Uncertain Significance.

NM_001261826.3(AP3D1):c.2708C>T (p.Thr903Ile)

Gene: AP3D1 (adaptor related protein complex 3 subunit delta 1; minus strand). Cytogenetic location: 19p13.3.
Variant type: single nucleotide variant.
Coding change: c.2708C>T on transcript NM_001261826.3 (MANE Select); coding-DNA position 2708, C replaced by T.
Protein change: p.Thr903Ile; replaces threonine 903 with isoleucine.
Molecular consequence: missense variant. On other transcripts: intron variant (2).
Genome position (GRCh38, 1-based): chr19:2,112,939, G>A on the plus strand (C>T on the coding strand, the complement: AP3D1 is on the minus strand). VCF-style: chr19-2112939-G-A. GRCh37 (hg19) VCF-style: chr19-2112938-G-A.
Other names: c.2602-1111C>T (NM_003938.8); c.2680-8C>T (NM_001374799.1); short protein forms T903I.
Identifiers: ClinVar variation 1939683 (VCV001939683.5), dbSNP rs370839081, ClinGen allele CA9058760.